The following is an entry in ClinVar:

ClinVar aggregate classification (germline): Uncertain significance (1 of 4 stars; one submission).

Conditions:
Familial adenomatous polyposis 2. Also called: MUTYH-associated polyposis; Adenomas, multiple colorectal; COLORECTAL ADENOMATOUS POLYPOSIS, AUTOSOMAL RECESSIVE; ADENOMAS, MULTIPLE COLORECTAL, AUTOSOMAL RECESSIVE; MUTYH-related attenuated familial adenomatous polyposis; MYH-associated polyposis. Identifiers: Orphanet 220460, Orphanet 247798, MedGen C3272841, MONDO:0012041, OMIM 608456.

Submission:

Labcorp Genetics (formerly Invitae), Labcorp
Classification: Uncertain significance for Familial adenomatous polyposis 2. Last evaluated: 2023-07-17. Review status: criteria provided, single submitter. Criteria: Invitae Variant Classification Sherloc (09022015). Collection method: clinical testing. Allele origin: germline.
Comment: Algorithms developed to predict the effect of missense changes on protein structure and function output the following: SIFT: "Not Available"; PolyPhen-2: "Benign"; Align-GVGD: "Not Available". The arginine amino acid residue is found in multiple mammalian species, which suggests that this missense change does not adversely affect protein function. This variant has not been reported in the literature in individuals affected with MUTYH-related conditions. This variant is not present in population databases (gnomAD no frequency). This sequence change replaces glycine, which is neutral and non-polar, with arginine, which is basic and polar, at codon 381 of the MUTYH protein (p.Gly381Arg). In summary, the available evidence is currently insufficient to determine the role of this variant in disease. Therefore, it has been classified as a Variant of Uncertain Significance.

NM_001048174.2(MUTYH):c.1057G>C (p.Gly353Arg)

Gene: MUTYH (mutY DNA glycosylase; minus strand). Cytogenetic location: 1p34.1.
Variant type: single nucleotide variant.
Coding change: c.1057G>C on transcript NM_001048174.2 (MANE Select); coding-DNA position 1057, G replaced by C.
Protein change: p.Gly353Arg; replaces glycine 353 with arginine.
Molecular consequence: missense variant. On other transcripts: non-coding transcript variant (7).
Genome position (GRCh38, 1-based): chr1:45,331,706, C>G on the plus strand (G>C on the coding strand, the complement: MUTYH is on the minus strand). VCF-style: chr1-45331706-C-G. GRCh37 (hg19) VCF-style: chr1-45797378-C-G.
Other names: c.1060G>C, p.Gly354Arg (NM_001407086.1, NM_001048172.2, NM_001407071.1 and 1 more transcripts); c.1078G>C, p.Gly360Arg (NM_001407087.1); c.1057G>C, p.Gly353Arg (NM_001407088.1, NM_001407089.1, NM_001293195.2 and 6 more transcripts); c.781G>C, p.Gly261Arg (NM_001407091.1, NM_001293192.2, NM_001293196.2); c.1132G>C, p.Gly378Arg (NM_012222.3); c.1141G>C, p.Gly381Arg (NM_001128425.2); c.1102G>C, p.Gly368Arg (NM_001293190.2); c.1090G>C, p.Gly364Arg (NM_001293191.2, NM_001407069.1, NM_001407077.1); and 5 more; short protein forms G340R, G381R, G325R, G353R, G360R, G367R, G378R, G339R.
Identifiers: ClinVar variation 2744304 (VCV002744304.3), dbSNP rs587778539, ClinGen allele CA340133415.